The following is an entry in ClinVar:

NM_177438.3(DICER1):c.643G>A (p.Asp215Asn)

Gene: DICER1 (dicer 1, ribonuclease III; minus strand). Cytogenetic location: 14q32.13.
Variant type: single nucleotide variant.
Coding change: c.643G>A on transcript NM_177438.3 (MANE Select); coding-DNA position 643, G replaced by A.
Protein change: p.Asp215Asn; replaces aspartic acid 215 with asparagine.
Molecular consequence: missense variant.
Genome position (GRCh38, 1-based): chr14:95,129,563, C>T on the plus strand (G>A on the coding strand, the complement: DICER1 is on the minus strand). VCF-style: chr14-95129563-C-T. GRCh37 (hg19) VCF-style: chr14-95595900-C-T.
Other names: c.643G>A, p.Asp215Asn (NM_001195573.1, NM_001271282.3, NM_001291628.2 and 1 more transcripts); short protein forms D215N.
Identifiers: ClinVar variation 947746 (VCV000947746.12), dbSNP rs781713298, ClinGen allele CA7331607.

ClinVar aggregate classification (germline): Uncertain significance. Review status: criteria provided, multiple submitters, no conflicts (2 of 4 stars). 2 submissions from 2 submitters: Uncertain significance (2). Last evaluated 2026-05-27.

Conditions:
Hereditary cancer-predisposing syndrome. Also called: Hereditary Cancer Syndrome; Neoplastic Syndromes, Hereditary; Tumor predisposition; Hereditary neoplastic syndrome. Identifiers: Orphanet 140162, MedGen C0027672, MeSH D009386, MONDO:0015356.
DICER1-related tumor predisposition. Also called: DICER1-related pleuropulmonary blastoma cancer predisposition syndrome; DICER1 syndrome. Identifiers: Orphanet 284343, MedGen C3839822, MONDO:0100216.

Allele frequency attached by ClinVar (database versions not stated): gnomAD exomes 0.00001; ExAC 0.00001.
gnomAD v4.1: 4 of 1,613,720 alleles (0.00025%); highest among the groups gnomAD compares: South Asian, 0.0044%; no homozygotes.

Submissions (2):

Ambry Genetics
Classification: Uncertain significance for Hereditary cancer-predisposing syndrome. Last evaluated: 2026-05-27. Review status: criteria provided, single submitter. Criteria: Ambry Variant Classification Scheme 2023. Collection method: clinical testing. Allele origin: germline.
Comment: The p.D215N variant (also known as c.643G>A), located in coding exon 5 of the DICER1 gene, results from a G to A substitution at nucleotide position 643. The aspartic acid at codon 215 is replaced by asparagine, an amino acid with highly similar properties. This amino acid position is conserved. In addition, this alteration is predicted to be tolerated by in silico analysis. Based on the available evidence, the clinical significance of this variant remains unclear.

Labcorp Genetics (formerly Invitae), Labcorp
Classification: Uncertain significance for DICER1-related tumor predisposition. Last evaluated: 2025-11-09. Review status: criteria provided, single submitter. Criteria: Invitae Variant Classification Sherloc (09022015). Collection method: clinical testing. Allele origin: germline.
Comment: This sequence change replaces aspartic acid, which is acidic and polar, with asparagine, which is neutral and polar, at codon 215 of the DICER1 protein (p.Asp215Asn). This variant is present in population databases (rs781713298, gnomAD 0.006%). This variant has not been reported in the literature in individuals affected with DICER1-related conditions. ClinVar contains an entry for this variant (Variation ID: 947746). Invitae Evidence Modeling of protein sequence and biophysical properties (such as structural, functional, and spatial information, amino acid conservation, physicochemical variation, residue mobility, and thermodynamic stability) indicates that this missense variant is not expected to disrupt DICER1 protein function with a negative predictive value of 95%. In summary, the available evidence is currently insufficient to determine the role of this variant in disease. Therefore, it has been classified as a Variant of Uncertain Significance.